The following is an entry in ClinVar:

NM_000321.3(RB1):c.540-14T>C

Gene: RB1 (RB transcriptional corepressor 1; plus strand). Cytogenetic location: 13q14.2.
Variant type: single nucleotide variant.
Coding change: c.540-14T>C on transcript NM_000321.3 (MANE Select); 14 bases into the intron before coding-DNA position 540, T replaced by C.
Molecular consequence: intron variant.
Genome position (GRCh38, 1-based): chr13:48,348,942, T>C. VCF-style: chr13-48348942-T-C. GRCh37 (hg19) VCF-style: chr13-48923078-T-C.
Identifiers: ClinVar variation 1623259 (VCV001623259.11), dbSNP rs140706037, ClinGen allele CA038639.

ClinVar aggregate classification (germline): Benign. Review status: criteria provided, multiple submitters, no conflicts (2 of 4 stars). 4 submissions from 4 submitters: Benign (4). Last evaluated 2026-06-23.

Conditions:
Retinoblastoma (RB1). Also called: RETINOBLASTOMA, SOMATIC. Identifiers: Orphanet 790, MedGen C0035335, MeSH D012175, MONDO:0008380, OMIM 180200, HP:0009919. Disease mechanism: loss of function. Inheritance: Both sporadic and heritable forms are tested..

Allele frequency attached by ClinVar (database versions not stated): 1000 Genomes Project 0.00020; gnomAD exomes 0.00005 and 0.00002; TOPMed 0.00028; ExAC 0.00005; 1000 Genomes Project 30x 0.00031; gnomAD 0.00020 and 0.00022; ESP Exome Variant Server 0.00031.
gnomAD v4.1: 62 of 1,597,874 alleles (0.0039%); highest among the groups gnomAD compares: African/African-American, 0.042%; no homozygotes.

Submissions (4):

Myriad Genetics, Inc.
Classification: Benign for Retinoblastoma. Last evaluated: 2026-06-23. Review status: criteria provided, single submitter. Criteria: Myriad Autosomal Dominant, Autosomal Recessive and X-Linked Classification Criteria (2023). Collection method: clinical testing. Allele origin: unknown.
Comment: This variant is considered benign. This variant is intronic and is not expected to impact mRNA splicing. This variant has been observed at a population frequency that is significantly greater than expected given the associated disease prevalence and penetrance.

Labcorp Genetics (formerly Invitae), Labcorp
Classification: Benign for Retinoblastoma. Last evaluated: 2026-01-28. Review status: criteria provided, single submitter. Criteria: Invitae Variant Classification Sherloc (09022015). Collection method: clinical testing. Allele origin: germline.

All of Us Research Program, National Institutes of Health
Classification: Benign for Retinoblastoma. Last evaluated: 2024-02-05. Review status: criteria provided, single submitter. Criteria: ACMG Guidelines, 2015. Collection method: clinical testing. Allele origin: germline. Inheritance: Autosomal dominant inheritance. Observed: 12 variant alleles, 12 heterozygotes.
Comment: This study involves interpretation of variants in research participants for the purpose of population health screening. Participant phenotype was not available at the time of variant classification. Additional details can be found in publication PMID: 35346344, PMCID: PMC8962531

Color Diagnostics, LLC DBA Color Health
Classification: Benign for Retinoblastoma. Last evaluated: 2022-04-26. Review status: criteria provided, single submitter. Criteria: ACMG Guidelines, 2015. Collection method: clinical testing. Allele origin: germline.